The following is an entry in ClinVar:

ClinVar aggregate classification (germline): Conflicting classifications of pathogenicity. Review status: criteria provided, conflicting classifications (1 of 4 stars). 6 submissions from 6 submitters: Uncertain significance (5); Likely benign (1). Last evaluated 2026-02-19.

Conditions:
Malignant hyperthermia, susceptibility to, 5 (MHS5). Also called: CACNA1S-Related Malignant Hyperthermia Susceptibility. Identifiers: Orphanet 423, MedGen C1866077, MONDO:0011163, OMIM 601887.
Hypokalemic periodic paralysis, type 1. Also called: Hypokalemic Periodic Paralysis Type 1 (AD); HypoPP. Identifiers: Orphanet 681, MedGen C3714580, MONDO:0042979, OMIM 170400.
Thyrotoxic periodic paralysis, susceptibility to, 1 (TTPP1). Identifiers: Orphanet 79102, MedGen C2749982, MONDO:0008570, OMIM 188580.

gnomAD v4.1: 4 of 1,614,170 alleles (0.00025%); highest among the groups gnomAD compares: East Asian, 0.0089%; no homozygotes.

Submissions (6):

Women's Health and Genetics/Laboratory Corporation of America, LabCorp
Classification: Uncertain significance. Last evaluated: 2026-02-19. Review status: criteria provided, single submitter. Criteria: LabCorp Variant Classification Summary - May 2015. Collection method: clinical testing. Allele origin: germline.
Comment: Variant summary: CACNA1S c.1382C>A (p.Thr461Asn) results in a non-conservative amino acid change in the encoded protein sequence. Algorithms developed to predict the effect of missense changes on protein structure and function all suggest that this variant is likely to be disruptive. The variant allele was found at a frequency of 1.2e-05 in 251276 control chromosomes. The available data on variant occurrences in the general population are insufficient to allow any conclusion about variant significance. To our knowledge, no occurrence of c.1382C>A in individuals affected with CACNA1S-related conditions and no experimental evidence demonstrating its impact on protein function have been reported. ClinVar contains an entry for this variant (Variation ID: 393259). Based on the evidence outlined above, the variant was classified as uncertain significance.

Labcorp Genetics (formerly Invitae), Labcorp
Classification: Likely benign for Hypokalemic periodic paralysis, type 1; Malignant hyperthermia, susceptibility to, 5. Last evaluated: 2026-01-19. Review status: criteria provided, single submitter. Criteria: Invitae Variant Classification Sherloc (09022015). Collection method: clinical testing. Allele origin: germline.

GeneDx
Classification: Uncertain significance. Last evaluated: 2025-11-18. Review status: criteria provided, single submitter. Criteria: GeneDx Variant Classification Process June 2021. Collection method: clinical testing. Allele origin: germline. Affected: yes.
Comment: In silico analysis supports that this missense variant has a deleterious effect on protein structure/function; Has not been previously published as pathogenic or benign to our knowledge

All of Us Research Program, National Institutes of Health
Classification: Uncertain significance for Malignant hyperthermia, susceptibility to, 5. Last evaluated: 2024-07-20. Review status: criteria provided, single submitter. Criteria: ACMG Guidelines, 2015. Collection method: clinical testing. Allele origin: germline. Inheritance: Autosomal dominant inheritance. Observed: 7 variant alleles, 7 heterozygotes.
Comment: This missense variant replaces threonine with asparagine at codon 461 of the CACNA1S protein. Computational prediction suggests that this variant may have deleterious impact on protein structure and function (internally defined REVEL score threshold >= 0.7, PMID: 27666373). To our knowledge, functional studies have not been reported for this variant. This variant has not been reported in individuals affected with CACNA1S-related disorders in the literature. This variant has been identified in 3/251276 chromosomes in the general population by the Genome Aggregation Database (gnomAD). The available evidence is insufficient to determine the role of this variant in disease conclusively. Therefore, this variant is classified as a Variant of Uncertain Significance.

This study involves interpretation of variants in research participants for the purpose of population health screening. Participant phenotype was not available at the time of variant classification. Additional details can be found in publication PMID: 35346344, PMCID: PMC8962531

Color Diagnostics, LLC DBA Color Health
Classification: Uncertain significance for Malignant hyperthermia, susceptibility to, 5. Last evaluated: 2024-05-14. Review status: criteria provided, single submitter. Criteria: ACMG Guidelines, 2015. Collection method: clinical testing. Allele origin: germline.
Comment: This missense variant replaces threonine with asparagine at codon 461 of the CACNA1S protein. Computational prediction suggests that this variant may have deleterious impact on protein structure and function. To our knowledge, functional studies have not been reported for this variant. This variant has not been reported in individuals affected with CACNA1S-related disorders in the literature. This variant has been identified in 3/251276 chromosomes in the general population by the Genome Aggregation Database (gnomAD). The available evidence is insufficient to determine the role of this variant in disease conclusively. Therefore, this variant is classified as a Variant of Uncertain Significance.

Fulgent Genetics
Classification: Uncertain significance for Hypokalemic periodic paralysis, type 1; Thyrotoxic periodic paralysis, susceptibility to, 1; Malignant hyperthermia, susceptibility to, 5. Last evaluated: 2022-05-09. Review status: criteria provided, single submitter. Criteria: ACMG Guidelines, 2015. Collection method: clinical testing. Allele origin: unknown.

NM_000069.3(CACNA1S):c.1382C>A (p.Thr461Asn)

Gene: CACNA1S (calcium voltage-gated channel subunit alpha1 S; minus strand). Cytogenetic location: 1q32.1.
Variant type: single nucleotide variant.
Coding change: c.1382C>A on transcript NM_000069.3 (MANE Select); coding-DNA position 1382, C replaced by A.
Protein change: p.Thr461Asn; replaces threonine 461 with asparagine.
Molecular consequence: missense variant.
Genome position (GRCh38, 1-based): chr1:201,083,173, G>T on the plus strand (C>A on the coding strand, the complement: CACNA1S is on the minus strand). VCF-style: chr1-201083173-G-T. GRCh37 (hg19) VCF-style: chr1-201052301-G-T.
Other names: short protein forms T461N.
Identifiers: ClinVar variation 393259 (VCV000393259.16), dbSNP rs143202536, ClinGen allele CA078171.